The following is an entry in ClinVar:

ClinVar aggregate classification (germline): Conflicting classifications of pathogenicity. Review status: criteria provided, conflicting classifications (1 of 4 stars). 4 submissions from 4 submitters: Uncertain significance (3); Likely benign (1). Last evaluated 2025-07-15.

Conditions:
Hereditary cancer-predisposing syndrome. Also called: Hereditary Cancer Syndrome; Hereditary neoplastic syndrome; Neoplastic Syndromes, Hereditary; Tumor predisposition. Identifiers: Orphanet 140162, MedGen C0027672, MeSH D009386, MONDO:0015356.
Hereditary breast ovarian cancer syndrome. Also called: Hereditary breast and ovarian cancer; Breast and ovarian cancer; Hereditary breast and ovarian cancer syndrome; Hereditary breast and/or ovarian cancer syndrome; BRCA1- and BRCA2-Associated Hereditary Breast and Ovarian Cancer; Hereditary breast and ovarian cancer syndrome (HBOC). Identifiers: Orphanet 145, MedGen C0677776, MeSH D061325, MONDO:0003582. Disease mechanism: loss of function.

gnomAD v4.1: 3 of 1,591,852 alleles (0.00019%); highest among the groups gnomAD compares: Non-Finnish European, 0.00026%; no homozygotes.

Submissions (4):

Color Diagnostics, LLC DBA Color Health
Classification: Uncertain significance for Hereditary cancer-predisposing syndrome. Last evaluated: 2025-07-15. Review status: criteria provided, single submitter. Criteria: ACMG Guidelines, 2015. Collection method: clinical testing. Allele origin: germline.
Comment: This missense variant replaces threonine with proline at codon 1673 of the BRCA2 protein. Computational prediction is inconclusive regarding the impact of this variant on protein structure and function. To our knowledge, functional studies have not been reported for this variant. Multifactorial analysis has reached a combined likelihood ratio (LR) of 0.762 based on reported LR for co-occurrence with a pathogenic variant and personal and family history for 1 carrier (PMID: 31853058). This variant has not been identified in the general population by the Genome Aggregation Database (gnomAD). The available evidence is insufficient to determine the role of this variant in disease conclusively. Therefore, this variant is classified as a Variant of Uncertain Significance.

University of Washington Department of Laboratory Medicine, University of Washington
Classification: Likely benign for Hereditary cancer-predisposing syndrome. Last evaluated: 2023-03-23. Review status: criteria provided, single submitter. Criteria: Dines et al. (Genet Med. 2020). Collection method: curation. Allele origin: germline.
Comment: Missense variant in a coldspot region where missense variants are very unlikely to be pathogenic (PMID:31911673).

BRCA2 exon 11 coldspot. Reclassification based on statistical prior probability.

Labcorp Genetics (formerly Invitae), Labcorp
Classification: Uncertain significance for Hereditary breast ovarian cancer syndrome. Last evaluated: 2020-03-10. Review status: criteria provided, single submitter. Criteria: Invitae Variant Classification Sherloc (09022015). Collection method: clinical testing. Allele origin: germline.
Comment: This sequence change replaces threonine with proline at codon 1673 of the BRCA2 protein (p.Thr1673Pro). The threonine residue is moderately conserved and there is a small physicochemical difference between threonine and proline. This variant is not present in population databases (ExAC no frequency). In summary, the available evidence is currently insufficient to determine the role of this variant in disease. Therefore, it has been classified as a Variant of Uncertain Significance. Algorithms developed to predict the effect of missense changes on protein structure and function are either unavailable or do not agree on the potential impact of this missense change (SIFT: "Tolerated"; PolyPhen-2: "Possibly Damaging"; Align-GVGD: "Class C0"). This variant has not been reported in the literature in individuals with BRCA2-related conditions. ClinVar contains an entry for this variant (Variation ID: 441467).

Ambry Genetics
Classification: Uncertain significance for Hereditary cancer-predisposing syndrome. Last evaluated: 2016-01-28. Review status: criteria provided, single submitter. Criteria: Ambry Variant Classification Scheme 2023. Collection method: clinical testing. Allele origin: germline.
Comment: The p.T1673P variant (also known as c.5017A>C), located in coding exon 10 of the BRCA2 gene, results from an A to C substitution at nucleotide position 5017. The threonine at codon 1673 is replaced by proline, an amino acid with highly similar properties. This variant was not reported in population based cohorts in the following databases: Database of Single Nucleotide Polymorphisms (dbSNP), NHLBI Exome Sequencing Project (ESP), and 1000 Genomes Project. In the ESP, this variant was not observed in 6475 samples (12950 alleles) with coverage at this position. To date, this alteration has been detected with an allele frequency of approximately 0.0004% (greater than 225000 alleles tested) in our clinical cohort. This amino acid position is well conserved in available vertebrate species. In addition, the in silico prediction for this alteration is inconclusive.Since supporting evidence is limited at this time, the clinical significance of this alteration remains unclear.

Literature cited by the submitters: PubMed 31853058 (cited by Color Diagnostics, LLC DBA Color Health).

NM_000059.4(BRCA2):c.5017A>C (p.Thr1673Pro)

Gene: BRCA2 (BRCA2 DNA repair associated; plus strand). Cytogenetic location: 13q13.1.
Variant type: single nucleotide variant.
Coding change: c.5017A>C on transcript NM_000059.4 (MANE Select); coding-DNA position 5017, A replaced by C.
Protein change: p.Thr1673Pro; replaces threonine 1673 with proline.
Molecular consequence: missense variant.
Genome position (GRCh38, 1-based): chr13:32,339,372, A>C. VCF-style: chr13-32339372-A-C. GRCh37 (hg19) VCF-style: chr13-32913509-A-C.
Other names: short protein forms T1673P.
Identifiers: ClinVar variation 441467 (VCV000441467.15), dbSNP rs746274489, ClinGen allele CA387783956.